The following is an entry in ClinVar:

ClinVar aggregate classification (germline): Benign. Review status: criteria provided, multiple submitters, no conflicts (2 of 4 stars). 8 submissions from 8 submitters: Benign (7). 1 of the submissions does not count toward it. Last evaluated 2026-04-14.

Conditions:
Familial intrahepatic cholestasis. Identifiers: Orphanet 284385, MedGen CN296401, MONDO:0017290.
Progressive familial intrahepatic cholestasis type 2. Identifiers: Orphanet 79304, MedGen C3489789, MONDO:0011156, OMIM 601847.

Allele frequency attached by ClinVar (database versions not stated): gnomAD exomes 0.01315; ExAC 0.03183; ESP Exome Variant Server 0.04957; gnomAD 0.05040 and 0.05330; TOPMed 0.05695; 1000 Genomes Project 0.06609; 1000 Genomes Project 30x 0.06808.
gnomAD v4.1: 15,656 of 1,560,136 alleles (1%); highest among the groups gnomAD compares: African/African-American, 17%; 1,133 homozygotes.

Submissions (8):

Genomenon, Inc
Classification: Benign for Familial intrahepatic cholestasis. Last evaluated: 2026-04-14. Review status: criteria provided, single submitter. Criteria: Genomenon Sequence Variant Interpretation Standards - Updated. Collection method: curation. Allele origin: germline. Affected: no.
Comment: ABCB11 c.402C>T is a synonymous variant that retains Isoleucine at residue 134. This variant is present at high allele frequency in population databases. In conclusion, we classify ABCB11 p.Ile134= (c.402C>T) as a benign variant.

Labcorp Genetics (formerly Invitae), Labcorp
Classification: Benign. Last evaluated: 2026-02-04. Review status: criteria provided, single submitter. Criteria: Invitae Variant Classification Sherloc (09022015). Collection method: clinical testing. Allele origin: germline.

Mayo Clinic Laboratories, Mayo Clinic
Classification: Benign. Last evaluated: 2022-04-08. Review status: criteria provided, single submitter. Criteria: ACMG Guidelines, 2015. Collection method: clinical testing. Allele origin: germline. Observed: 47 variant alleles.

Illumina Laboratory Services, Illumina
Classification: Benign for Progressive familial intrahepatic cholestasis type 2. Last evaluated: 2018-01-12. Review status: criteria provided, single submitter. Criteria: ICSL Variant Classification Criteria 13 December 2019. Collection method: clinical testing. Allele origin: germline.
Comment: This variant was observed in the ICSL laboratory as part of a predisposition screen in an ostensibly healthy population. It had not been previously curated by ICSL or reported in the Human Gene Mutation Database (HGMD: prior to June 1st, 2018), and was therefore a candidate for classification through an automated scoring system. Utilizing variant allele frequency, disease prevalence and penetrance estimates, and inheritance mode, an automated score was calculated to assess if this variant is too frequent to cause the disease. Based on the score and internal cut-off values, a variant classified as benign is not then subjected to further curation. The score for this variant resulted in a classification of benign for this disease.

GeneDx
Classification: Benign. Last evaluated: 2016-02-22. Review status: criteria provided, single submitter. Criteria: GeneDx Variant Classification (06012015). Collection method: clinical testing. Allele origin: germline. Affected: yes.
Comment: This variant is considered likely benign or benign based on one or more of the following criteria: it is a conservative change, it occurs at a poorly conserved position in the protein, it is predicted to be benign by multiple in silico algorithms, and/or has population frequency not consistent with disease.

Breakthrough Genomics
Classification: Benign. Review status: criteria provided, single submitter. Criteria: ACMG Guidelines, 2015. Collection method: not provided. Allele origin: germline. Inheritance: Autosomal recessive inheritance. Affected: yes.

PreventionGenetics, part of Exact Sciences
Classification: Benign. Review status: criteria provided, single submitter. Criteria: ACMG Guidelines, 2015. Collection method: clinical testing. Allele origin: germline.

Natera, Inc.
Classification: Benign for Progressive familial intrahepatic cholestasis type 2. Last evaluated: 2020-09-16. Review status: no assertion criteria provided. Collection method: clinical testing. Allele origin: germline. Not counted in ClinVar's aggregate classification.

NM_003742.4(ABCB11):c.402C>T (p.Ile134=)

Gene: ABCB11 (ATP binding cassette subfamily B member 11; minus strand). Cytogenetic location: 2q31.1.
Variant type: single nucleotide variant.
Coding change: c.402C>T on transcript NM_003742.4 (MANE Select); coding-DNA position 402, C replaced by T.
Protein change: p.Ile134=; no amino-acid change (isoleucine 134 retained).
Molecular consequence: synonymous variant.
Genome position (GRCh38, 1-based): chr2:168,996,710, G>A on the plus strand (C>T on the coding strand, the complement: ABCB11 is on the minus strand). VCF-style: chr2-168996710-G-A. GRCh37 (hg19) VCF-style: chr2-169853220-G-A.
Other names: p.Ile134=; c.402C>T, p.Ile134= (LRG_1199t1).
Identifiers: ClinVar variation 259155 (VCV000259155.18), dbSNP rs11568377, ClinGen allele CA1951895.